The following is an entry in ClinVar:

ClinVar aggregate classification (germline): Uncertain significance (1 of 4 stars; one submission).

Submission:

Labcorp Genetics (formerly Invitae), Labcorp
Classification: Uncertain significance. Last evaluated: 2023-06-03. Review status: criteria provided, single submitter. Criteria: Invitae Variant Classification Sherloc (09022015). Collection method: clinical testing. Allele origin: germline.
Comment: An algorithm developed to predict the effect of missense changes on protein structure and function (PolyPhen-2) suggests that this variant is likely to be disruptive. This sequence change replaces leucine, which is neutral and non-polar, with histidine, which is basic and polar, at codon 221 of the NDUFAF7 protein (p.Leu221His). This variant is not present in population databases (gnomAD no frequency). This variant has not been reported in the literature in individuals affected with NDUFAF7-related conditions. In summary, the available evidence is currently insufficient to determine the role of this variant in disease. Therefore, it has been classified as a Variant of Uncertain Significance.

NM_144736.5(NDUFAF7):c.956T>A (p.Leu319His)

Gene: NDUFAF7 (NADH:ubiquinone oxidoreductase complex assembly factor 7; plus strand). Cytogenetic location: 2p22.2.
Variant type: single nucleotide variant.
Coding change: c.956T>A on transcript NM_144736.5 (MANE Select); coding-DNA position 956, T replaced by A.
Protein change: p.Leu319His; replaces leucine 319 with histidine.
Molecular consequence: missense variant. On other transcripts: non-coding transcript variant (10).
Genome position (GRCh38, 1-based): chr2:37,247,475, T>A. VCF-style: chr2-37247475-T-A. GRCh37 (hg19) VCF-style: chr2-37474618-T-A.
Other names: c.875T>A, p.Leu292His (NM_001350025.2); c.743T>A, p.Leu248His (NM_001350027.2); c.662T>A, p.Leu221His (NM_001083946.2); c.956T>A, p.Leu319His (NM_001350024.2); short protein forms L319H, L248H, L221H, L292H.
Identifiers: ClinVar variation 2797514 (VCV002797514.3), dbSNP rs2465324687, ClinGen allele CA346313349.